The following is an entry in ClinVar:

ClinVar aggregate classification (germline): Uncertain significance. Review status: criteria provided, multiple submitters, no conflicts (2 of 4 stars). 2 submissions from 2 submitters: Uncertain significance (2). Last evaluated 2026-01-13.

Conditions:
Inborn genetic diseases. Identifiers: MedGen C0950123, MeSH D030342.
Immunodeficiency 67. Also called: Immunodeficiency due to interleukin-1 receptor-associated kinase-4 deficiency. Identifiers: Orphanet 70592, MedGen C1843256, MONDO:0011888, OMIM 607676.

gnomAD v4.1: 2 of 1,581,428 alleles (0.00013%); highest among the groups gnomAD compares: Non-Finnish European, 0.00017%; no homozygotes.

Submissions (2):

Labcorp Genetics (formerly Invitae), Labcorp
Classification: Uncertain significance for Immunodeficiency 67. Last evaluated: 2026-01-13. Review status: criteria provided, single submitter. Criteria: Invitae Variant Classification Sherloc (09022015). Collection method: clinical testing. Allele origin: germline.
Comment: This sequence change replaces lysine, which is basic and polar, with glutamine, which is neutral and polar, at codon 400 of the IRAK4 protein (p.Lys400Gln). This variant is not present in population databases (gnomAD no frequency). This variant has not been reported in the literature in individuals affected with IRAK4-related conditions. ClinVar contains an entry for this variant (Variation ID: 3529980). Invitae Evidence Modeling of protein sequence and biophysical properties (such as structural, functional, and spatial information, amino acid conservation, physicochemical variation, residue mobility, and thermodynamic stability) indicates that this missense variant is expected to disrupt IRAK4 protein function with a positive predictive value of 80%. In summary, the available evidence is currently insufficient to determine the role of this variant in disease. Therefore, it has been classified as a Variant of Uncertain Significance.

Ambry Genetics
Classification: Uncertain significance for Inborn genetic diseases. Last evaluated: 2024-11-22. Review status: criteria provided, single submitter. Criteria: Ambry Variant Classification Scheme 2023. Collection method: clinical testing. Allele origin: germline.

NM_016123.4(IRAK4):c.1198A>C (p.Lys400Gln)

Gene: IRAK4 (interleukin 1 receptor associated kinase 4; plus strand). Cytogenetic location: 12q12.
Variant type: single nucleotide variant.
Coding change: c.1198A>C on transcript NM_016123.4 (MANE Select); coding-DNA position 1198, A replaced by C.
Protein change: p.Lys400Gln; replaces lysine 400 with glutamine.
Molecular consequence: missense variant.
Genome position (GRCh38, 1-based): chr12:43,786,408, A>C. VCF-style: chr12-43786408-A-C. GRCh37 (hg19) VCF-style: chr12-44180211-A-C.
Other names: c.1198A>C, p.Lys400Gln (NM_001114182.3, NM_001351345.2); c.826A>C, p.Lys276Gln (NM_001145256.2, NM_001145257.2, NM_001145258.2 and 5 more transcripts); c.589A>C, p.Lys197Gln (NM_001351343.2, NM_001351344.2); short protein forms K400Q, K197Q, K276Q.
Identifiers: ClinVar variation 3529980 (VCV003529980.2).